The following is an entry in ClinVar:

NM_017780.4(CHD7):c.8699C>A (p.Pro2900Gln)

Gene: CHD7 (chromodomain helicase DNA binding protein 7; plus strand). Cytogenetic location: 8q12.2.
Variant type: single nucleotide variant.
Coding change: c.8699C>A on transcript NM_017780.4 (MANE Select); coding-DNA position 8699, C replaced by A.
Protein change: p.Pro2900Gln; replaces proline 2900 with glutamine.
Molecular consequence: missense variant.
Genome position (GRCh38, 1-based): chr8:60,865,638, C>A. VCF-style: chr8-60865638-C-A. GRCh37 (hg19) VCF-style: chr8-61778197-C-A.
Other names: c.2552C>A, p.Pro851Gln (NM_001316690.1); short protein forms P2900Q, P851Q.
Identifiers: ClinVar variation 933526 (VCV000933526.7), dbSNP rs780993039, ClinGen allele CA371311055.

ClinVar aggregate classification (germline): Uncertain significance (1 of 4 stars; one submission).

Conditions:
CHARGE syndrome (CHARGE). Also called: Hittner Hirsch Kreh syndrome; Coloboma, heart anomaly, choanal atresia, retardation, genital and ear anomalies; CHARGE association; Hall-Hittner syndrome; CHARGE ASSOCIATION--COLOBOMA, HEART ANOMALY, CHOANAL ATRESIA, RETARDATION, GENITAL AND EAR ANOMALIES. Identifiers: Orphanet 138, MedGen C0265354, MONDO:0008965.

gnomAD v4.1: 4 of 1,611,676 alleles (0.00025%); highest among the groups gnomAD compares: African/African-American, 0.0027%; no homozygotes.

Submission:

Labcorp Genetics (formerly Invitae), Labcorp
Classification: Uncertain significance for CHARGE syndrome. Last evaluated: 2022-10-25. Review status: criteria provided, single submitter. Criteria: Invitae Variant Classification Sherloc (09022015). Collection method: clinical testing. Allele origin: germline.
Comment: In summary, the available evidence is currently insufficient to determine the role of this variant in disease. Therefore, it has been classified as a Variant of Uncertain Significance. Algorithms developed to predict the effect of missense changes on protein structure and function (SIFT, PolyPhen-2, Align-GVGD) all suggest that this variant is likely to be disruptive. ClinVar contains an entry for this variant (Variation ID: 933526). This variant has not been reported in the literature in individuals affected with CHD7-related conditions. This variant is not present in population databases (gnomAD no frequency). This sequence change replaces proline, which is neutral and non-polar, with glutamine, which is neutral and polar, at codon 2900 of the CHD7 protein (p.Pro2900Gln).